The following is an entry in ClinVar:

ClinVar aggregate classification (germline): Pathogenic (1 of 4 stars; one submission).

Conditions:
Neurofibromatosis, type 1 (NF1). Also called: Peripheral type neurofibromatosis; Neurofibromatosis, type I; VON RECKLINGHAUSEN DISEASE; NEUROFIBROMATOSIS, TYPE I, SOMATIC. Identifiers: Orphanet 636, MedGen C0027831, MONDO:0018975, OMIM 162200. Disease mechanism: loss of function.

Submission:

Labcorp Genetics (formerly Invitae), Labcorp
Classification: Pathogenic for Neurofibromatosis, type 1. Last evaluated: 2020-07-24. Review status: criteria provided, single submitter. Criteria: Invitae Variant Classification Sherloc (09022015). Collection method: clinical testing. Allele origin: germline.
Comment: This sequence change creates a premature translational stop signal (p.Glu1074*) in the NF1 gene. It is expected to result in an absent or disrupted protein product. This variant is not present in population databases (ExAC no frequency). For these reasons, this variant has been classified as Pathogenic. Loss-of-function variants in NF1 are known to be pathogenic (PMID: 10712197, 23913538). This variant has been reported in an individual affected with neurofibromatosis type I in the Leiden Open-source Variation Database (PMID: 21520333, 23656349).

Literature cited by the submitters: PubMed 10712197; PubMed 23913538; PubMed 21520333; PubMed 23656349.

NM_001042492.3(NF1):c.3220G>T (p.Glu1074Ter)

Gene: NF1 (neurofibromin 1; plus strand). Cytogenetic location: 17q11.2.
Variant type: single nucleotide variant.
Coding change: c.3220G>T on transcript NM_001042492.3 (MANE Select); coding-DNA position 3220, G replaced by T.
Protein change: p.Glu1074Ter; replaces glutamic acid 1074 with a stop codon.
Molecular consequence: nonsense.
Genome position (GRCh38, 1-based): chr17:31,232,095, G>T. VCF-style: chr17-31232095-G-T. GRCh37 (hg19) VCF-style: chr17-29559113-G-T.
Other names: c.3220G>T, p.Glu1074Ter (NM_000267.4); short protein forms E1074*.
Identifiers: ClinVar variation 948826 (VCV000948826.6), dbSNP rs781567020, ClinGen allele CA398988661.
Genomic context (GRCh38, chr17:31,232,095, plus strand): 5'-GTCTCTAAATTTTTTTTTTTTTTTTTTTTTTTTTTCAGAGATTTGGACCAGGCAAGCATG[G>T]AAGCAGTAGTTTCACTTCTAGCTGGTCTCCCTCTGCAGCCTGAAGAAGGAGATGGTGTGG-3'